The following is an entry in ClinVar:

NM_004082.5(DCTN1):c.1365C>T (p.Arg455=)

Gene: DCTN1 (dynactin subunit 1; minus strand). Cytogenetic location: 2p13.1.
Variant type: single nucleotide variant.
Coding change: c.1365C>T on transcript NM_004082.5 (MANE Select); coding-DNA position 1365, C replaced by T.
Protein change: p.Arg455=; no amino-acid change (arginine 455 retained).
Molecular consequence: synonymous variant. On other transcripts: non-coding transcript variant (1).
Genome position (GRCh38, 1-based): chr2:74,369,992, G>A on the plus strand (C>T on the coding strand, the complement: DCTN1 is on the minus strand). VCF-style: chr2-74369992-G-A. GRCh37 (hg19) VCF-style: chr2-74597119-G-A.
Other names: c.1305C>T, p.Arg435= (NM_001135040.3); c.963C>T, p.Arg321= (NM_001135041.3, NM_023019.4); c.1254C>T, p.Arg418= (NM_001190836.2); c.1344C>T, p.Arg448= (NM_001190837.2); c.1314C>T, p.Arg438= (NM_001378991.1); c.1296C>T, p.Arg432= (NM_001378992.1).
Identifiers: ClinVar variation 4788042 (VCV004788042.1).
Genomic context (GRCh38, chr2:74,369,992, plus strand): 5'-AAGTCAGATGTCAGGGGTCTGCTCTTCTCTTACCAAGTCTCCCACAGTCTCCCTCAACTC[G>A]CGCACTTTCTCTTCCAGATTCAGGTTCCGATCTGTCAGCATCTCCACCATCTCCTCAGCA-3'
Protein context (NP_004073.2, residues 445-465): DRNLNLEEKV[Arg455=]ELRETVGDLE

ClinVar aggregate classification (germline): Uncertain significance (1 of 4 stars; one submission).

Conditions:
Amyotrophic lateral sclerosis type 1 (ALS1). Also called: AMYOTROPHIC LATERAL SCLEROSIS 1, FAMILIAL. Identifiers: Orphanet 803, MedGen C1862939, MONDO:0007103, OMIM 105400.
Neuronopathy, distal hereditary motor, type 7B. Also called: HMN VIIB; LOWER MOTOR NEURON DISEASE, DYNACTIN TYPE; NEURONOPATHY, DISTAL HEREDITARY MOTOR, AUTOSOMAL DOMINANT 14; NEURONOPATHY, DISTAL HEREDITARY MOTOR, HARDING TYPE VIIB; NEUROPATHY, DISTAL HEREDITARY MOTOR, HARDING TYPE VIIB; NEUROPATHY, DISTAL HEREDITARY MOTOR, WITH VOCAL CORD PARALYSIS, HARDING TYPE VIIB. Identifiers: Orphanet 139589, MedGen C1843315, MONDO:0011879, OMIM 607641.
Perry syndrome. Also called: PARKINSONISM WITH ALVEOLAR HYPOVENTILATION AND MENTAL DEPRESSION. Identifiers: Orphanet 178509, MedGen C1868594, MONDO:0008201, OMIM 168605.

gnomAD v4.1: 1 of 1,614,026 alleles (0.000062%); highest among the groups gnomAD compares: Non-Finnish European, 0.000085%; no homozygotes.

Submission:

Labcorp Genetics (formerly Invitae), Labcorp
Classification: Uncertain significance for Amyotrophic lateral sclerosis type 1; Neuronopathy, distal hereditary motor, type 7B; Perry syndrome. Last evaluated: 2025-10-22. Review status: criteria provided, single submitter. Criteria: Invitae Variant Classification Sherloc (09022015). Collection method: clinical testing. Allele origin: germline.
Comment: This sequence change affects codon 455 of the DCTN1 mRNA. It is a 'silent' change, meaning that it does not change the encoded amino acid sequence of the DCTN1 protein. This variant is not present in population databases (gnomAD no frequency). This variant has not been reported in the literature in individuals affected with DCTN1-related conditions. Algorithms developed to predict the effect of sequence changes on RNA splicing suggest that this variant may disrupt the consensus splice site. In summary, the available evidence is currently insufficient to determine the role of this variant in disease. Therefore, it has been classified as a Variant of Uncertain Significance.